The following is an entry in ClinVar:

ClinVar aggregate classification (germline): Uncertain significance (1 of 4 stars; one submission).

Allele frequency attached by ClinVar (database versions not stated): ExAC 0.00001; gnomAD exomes 0.00001.
gnomAD v4.1: 13 of 1,614,170 alleles (0.00081%); highest among the groups gnomAD compares: Non-Finnish European, 0.0011%; no homozygotes.

Submission:

Ambry Genetics
Classification: Uncertain significance. Last evaluated: 2024-09-30. Review status: criteria provided, single submitter. Criteria: Ambry Variant Classification Scheme 2023. Collection method: clinical testing. Allele origin: germline.
Comment: The p.F233L variant (also known as c.697T>C), located in coding exon 6 of the NQO1 gene, results from a T to C substitution at nucleotide position 697. The phenylalanine at codon 233 is replaced by leucine, an amino acid with highly similar properties. This amino acid position is conserved. In addition, this alteration is predicted to be tolerated by in silico analysis. Since supporting evidence is limited at this time, the clinical significance of this alteration remains unclear.

NM_000903.3(NQO1):c.697T>C (p.Phe233Leu)

Gene: NQO1 (NAD(P)H quinone dehydrogenase 1; minus strand). Cytogenetic location: 16q22.1.
Variant type: single nucleotide variant.
Coding change: c.697T>C on transcript NM_000903.3 (MANE Select); coding-DNA position 697, T replaced by C.
Protein change: p.Phe233Leu; replaces phenylalanine 233 with leucine.
Molecular consequence: missense variant.
Genome position (GRCh38, 1-based): chr16:69,711,104, A>G on the plus strand (T>C on the coding strand, the complement: NQO1 is on the minus strand). VCF-style: chr16-69711104-A-G. GRCh37 (hg19) VCF-style: chr16-69745007-A-G.
Other names: c.595T>C, p.Phe199Leu (NM_001025433.2); c.583T>C, p.Phe195Leu (NM_001025434.2); c.481T>C, p.Phe161Leu (NM_001286137.2); short protein forms F199L, F233L, F195L, F161L.
Identifiers: ClinVar variation 1756428 (VCV001756428.3), dbSNP rs754101677, ClinGen allele CA8136140.